The following is an entry in ClinVar:

NM_017875.4(SLC25A38):c.324_325del (p.Tyr109fs)

Gene: SLC25A38 (solute carrier family 25 member 38; plus strand). Cytogenetic location: 3p22.1.
Variant type: Microsatellite.
Coding change: c.324_325del on transcript NM_017875.4 (MANE Select); coding-DNA positions 324 to 325, 2 bases deleted (CT; older notation c.324_325delCT).
Protein change: p.Tyr109fs; shifts the reading frame from tyrosine 109.
Molecular consequence: frameshift variant.
Genome position (GRCh38, 1-based): chr3:39,391,488-39,391,489, CT deleted; deleting any 2 consecutive bases within chr3:39,391,484-39,391,489 gives the same sequence; the c. name uses the placement nearest the transcript's 3' end. VCF-style (leftmost placement, unchanged base first): chr3-39391483-ACT-A. GRCh37 (hg19) VCF-style: chr3-39432974-ACT-A.
Other names: c.324_325del, p.Tyr109fs (NM_001354798.2); c.324_325delCT (NM_017875.2); short protein forms Y109fs.
Identifiers: ClinVar variation 1119 (VCV000001119.42), dbSNP rs869320719, ClinGen allele CA358679.

ClinVar aggregate classification (germline): Pathogenic/Likely pathogenic. Review status: criteria provided, multiple submitters, no conflicts (2 of 4 stars). 10 submissions from 10 submitters: Pathogenic (8); Likely pathogenic (1). 1 of the submissions does not count toward it. Last evaluated 2025-12-09.

Conditions:
SLC25A38-related disorder. Also called: SLC25A38-related disorders; SLC25A38-related condition.
Sideroblastic anemia 2. Also called: Anemia, sideroblastic, 2, pyridoxine-refractory. Identifiers: Orphanet 260305, MedGen C4225425, MONDO:0008785, OMIM 205950.

Submissions (10):

Labcorp Genetics (formerly Invitae), Labcorp
Classification: Pathogenic. Last evaluated: 2025-12-09. Review status: criteria provided, single submitter. Criteria: Invitae Variant Classification Sherloc (09022015). Collection method: clinical testing. Allele origin: germline.
Comment: This sequence change creates a premature translational stop signal (p.Tyr109Leufs*43) in the SLC25A38 gene. It is expected to result in an absent or disrupted protein product. Loss-of-function variants in SLC25A38 are known to be pathogenic (PMID: 19412178, 25985931). This variant is present in population databases (rs535344665, gnomAD 0.04%). This premature translational stop signal has been observed in individuals with congenital sideroblastic anemia (PMID: 19412178, 21393332). ClinVar contains an entry for this variant (Variation ID: 1119). Algorithms developed to predict the effect of variants on gene product structure and function are not available or were not evaluated for this variant. Experimental studies have shown that this premature translational stop signal affects SLC25A38 function (PMID: 19412178). For these reasons, this variant has been classified as Pathogenic.

Blueprint Genetics
Classification: Pathogenic for SLC25A38-related disorders. Last evaluated: 2024-11-11. Review status: criteria provided, single submitter. Criteria: ACMG Guidelines, 2015. Collection method: clinical testing. Allele origin: germline. Affected: yes. Observed: 5 variant alleles.

Fulgent Genetics
Classification: Pathogenic for Sideroblastic anemia 2. Last evaluated: 2024-04-28. Review status: criteria provided, single submitter. Criteria: ACMG Guidelines, 2015. Collection method: clinical testing. Allele origin: germline.

CeGaT Center for Human Genetics Tuebingen
Classification: Pathogenic. Last evaluated: 2023-12-01. Review status: criteria provided, single submitter. Criteria: CeGaT Center For Human Genetics Tuebingen Variant Classification Criteria Version 2. Collection method: clinical testing. Allele origin: germline. Affected: yes. Observed: 1 variant allele.
Comment: SLC25A38: PM3:Very Strong, PVS1, PM2:Supporting

Clinical Genetics Laboratory, Skane University Hospital Lund
Classification: Pathogenic. Last evaluated: 2022-05-27. Review status: criteria provided, single submitter. Criteria: ACMG Guidelines, 2015. Collection method: clinical testing. Allele origin: germline. Affected: yes.

GeneDx
Classification: Pathogenic. Last evaluated: 2021-12-10. Review status: criteria provided, single submitter. Criteria: GeneDx Variant Classification Process June 2021. Collection method: clinical testing. Allele origin: germline. Affected: yes.
Comment: Frameshift variant predicted to result in protein truncation or nonsense mediated decay in a gene for which loss-of-function is a known mechanism of disease; This variant is associated with the following publications: (PMID: 28772256, 19412178, 27753142, 21393332, 31589614)

Mark Fleming Laboratory, Boston Children's Hospital
Classification: Pathogenic for Sideroblastic anemia 2. Last evaluated: 2021-06-01. Review status: criteria provided, single submitter. Criteria: ACMG Guidelines, 2015. Collection method: research. Allele origin: germline. Affected: yes.

Illumina Laboratory Services, Illumina
Classification: Likely pathogenic for SLC25A38-Related Disorders. Last evaluated: 2018-12-04. Review status: criteria provided, single submitter. Criteria: ICSL Variant Classification Criteria 09 May 2019. Collection method: clinical testing. Allele origin: germline.
Comment: The SLC25A38 c.324_325delCT (p.Tyr109LeufsTer43) frameshift variant is also reported as c.698_699delCT (p.Leu108fs) in literature. This variant has been reported in at least two studies, in which it is found in a total of six unrelated individuals with congenital sideroblastic anemia, including in two in a homozygous state and in four in a compound heterozygous state with a second missense or truncating variant (Guernsey et al. 2009; Kannengiesser et al. 2011). This variant is not reported in individuals with pyridoxine-refractory sideroblastic anemia. Control data are unavailable for this variant, which is reported at a frequency of 0.001454 in the European American population of the Exome Sequencing Project. Based on the collective evidence, the p.Tyr109LeufsTer43 variant is classified as likely pathogenic for SLC25A38-related disorders. This variant was observed by ICSL as part of a predisposition screen in an ostensibly healthy population.

3billion
Classification: Pathogenic for Sideroblastic anemia 2. Review status: criteria provided, single submitter. Criteria: ACMG Guidelines, 2015. Collection method: clinical testing. Allele origin: unknown. Affected: yes. Observed: 1 homozygote.
Comment: The variant is observed at an extremely low frequency in the gnomAD v2.1.1 dataset (total allele frequency: 0.017%). The variant is predicted to result in a loss or disruption of normal protein function through nonsense-mediated decay (NMD) or protein truncation. Multiple pathogenic variants are reported downstream of the variant. The variant has been reported at least twice as pathogenic without evidence for the classification (ClinVar ID: VCV000001119 / PMID: 19412178). Therefore, this variant is classified as Pathogenic according to the recommendation of ACMG/AMP guideline.

OMIM
Classification: Pathogenic for ANEMIA, SIDEROBLASTIC, 2, PYRIDOXINE-REFRACTORY. Last evaluated: 2009-06-01. Review status: no assertion criteria provided. Collection method: literature only. Allele origin: germline. Not counted in ClinVar's aggregate classification.

Literature cited by the submitters: PubMed 19412178 (cited by 5 submitters); PubMed 25985931 (cited by Labcorp Genetics (formerly Invitae), Labcorp); PubMed 21393332 (cited by 3 submitters); PubMed 31338833 (cited by Mark Fleming Laboratory, Boston Children's Hospital); PubMed 28772256 (cited by Mark Fleming Laboratory, Boston Children's Hospital).